The following is an entry in ClinVar:

ClinVar aggregate classification (germline): Uncertain significance. Review status: criteria provided, multiple submitters, no conflicts (2 of 4 stars). 2 submissions from 2 submitters: Uncertain significance (2). Last evaluated 2022-08-16.

Submissions (2):

Labcorp Genetics (formerly Invitae), Labcorp
Classification: Uncertain significance. Last evaluated: 2022-08-16. Review status: criteria provided, single submitter. Criteria: Invitae Variant Classification Sherloc (09022015). Collection method: clinical testing. Allele origin: germline.
Comment: This variant is not present in population databases (gnomAD no frequency). This missense change has been observed in individuals with retinitis pigmentosa (PMID: 32037395; Invitae). ClinVar contains an entry for this variant (Variation ID: 283825). Algorithms developed to predict the effect of missense changes on protein structure and function are either unavailable or do not agree on the potential impact of this missense change (SIFT: "Deleterious"; PolyPhen-2: "Probably Damaging"; Align-GVGD: "Class C0"). Variants that disrupt the consensus splice site are a relatively common cause of aberrant splicing (PMID: 17576681, 9536098). Algorithms developed to predict the effect of sequence changes on RNA splicing suggest that this variant may disrupt the consensus splice site. In summary, the available evidence is currently insufficient to determine the role of this variant in disease. Therefore, it has been classified as a Variant of Uncertain Significance. This sequence change replaces valine, which is neutral and non-polar, with methionine, which is neutral and non-polar, at codon 476 of the PRPF3 protein (p.Val476Met). This variant also falls at the last nucleotide of exon 10, which is part of the consensus splice site for this exon.

Eurofins Ntd Llc (ga)
Classification: Uncertain significance. Last evaluated: 2015-10-20. Review status: criteria provided, single submitter. Criteria: EGL Classification Definitions 2015. Collection method: clinical testing. Allele origin: germline. Observed: 1 variant allele, 1 heterozygote.

Literature cited by the submitters: PubMed 32037395 (cited by Labcorp Genetics (formerly Invitae), Labcorp); PubMed 17576681 (cited by Labcorp Genetics (formerly Invitae), Labcorp); PubMed 9536098 (cited by Labcorp Genetics (formerly Invitae), Labcorp).

NM_004698.4(PRPF3):c.1426G>A (p.Val476Met)

Gene: PRPF3 (pre-mRNA processing factor 3; plus strand). Cytogenetic location: 1q21.2.
Variant type: single nucleotide variant.
Coding change: c.1426G>A on transcript NM_004698.4 (MANE Select); coding-DNA position 1426, G replaced by A.
Protein change: p.Val476Met; replaces valine 476 with methionine.
Molecular consequence: missense variant. On other transcripts: non-coding transcript variant (4).
Genome position (GRCh38, 1-based): chr1:150,343,452, G>A. VCF-style: chr1-150343452-G-A. GRCh37 (hg19) VCF-style: chr1-150315928-G-A.
Other names: c.1021G>A, p.Val341Met (NM_001350529.1); short protein forms V476M, V341M.
Identifiers: ClinVar variation 283825 (VCV000283825.14), dbSNP rs886044817, ClinGen allele CA10604599.